The following is an entry in ClinVar:

NM_001330691.3(CEP78):c.890T>C (p.Ile297Thr)

Gene: CEP78 (centrosomal protein 78; plus strand). Cytogenetic location: 9q21.2.
Variant type: single nucleotide variant.
Coding change: c.890T>C on transcript NM_001330691.3 (MANE Select); coding-DNA position 890, T replaced by C.
Protein change: p.Ile297Thr; replaces isoleucine 297 with threonine.
Molecular consequence: missense variant.
Genome position (GRCh38, 1-based): chr9:78,246,780, T>C. VCF-style: chr9-78246780-T-C. GRCh37 (hg19) VCF-style: chr9-80861696-T-C.
Other names: c.890T>C, p.Ile297Thr (NM_001098802.3, NM_001330693.3, NM_001330694.2 and 4 more transcripts); short protein forms I297T.
Identifiers: ClinVar variation 1494146 (VCV001494146.5), dbSNP rs1826510640, ClinGen allele CA373856217.
Genomic context (GRCh38, chr9:78,246,780, plus strand): 5'-TAGAGGCCCTTGAAACCAATACAACTCTGGTCGTTCTGGATATAAGAAAAAATCCACTCA[T>C]TGGTATGTCGCTACAATATTTTTTATTGACTAACAAATAGCAAAAGAAAAAGAATTTCTC-3'
Protein context (NP_001317620.1, residues 287-307): VVLDIRKNPL[Ile297Thr]DHSMMKAVIK

ClinVar aggregate classification (germline): Uncertain significance (1 of 4 stars; one submission).

Submission:

Labcorp Genetics (formerly Invitae), Labcorp
Classification: Uncertain significance. Last evaluated: 2021-09-01. Review status: criteria provided, single submitter. Criteria: Invitae Variant Classification Sherloc (09022015). Collection method: clinical testing. Allele origin: germline.
Comment: This sequence change replaces isoleucine with threonine at codon 297 of the CEP78 protein (p.Ile297Thr). The isoleucine residue is weakly conserved and there is a moderate physicochemical difference between isoleucine and threonine. This variant is not present in population databases (ExAC no frequency). This variant has not been reported in the literature in individuals affected with CEP78-related conditions. Algorithms developed to predict the effect of missense changes on protein structure and function are either unavailable or do not agree on the potential impact of this missense change (SIFT: "Deleterious"; PolyPhen-2: "Benign"; Align-GVGD: "Class C0"). In summary, the available evidence is currently insufficient to determine the role of this variant in disease. Therefore, it has been classified as a Variant of Uncertain Significance.